The following is an entry in ClinVar:

NM_000292.3(PHKA2):c.2597+2dup

Gene: PHKA2 (phosphorylase kinase regulatory subunit alpha 2; minus strand). Cytogenetic location: Xp22.13.
Variant type: Duplication.
Coding change: c.2597+2dup on transcript NM_000292.3 (MANE Select); the canonical splice donor site of the intron after coding-DNA position 2597, one base duplicated (T; older notation c.2597+2dupT).
Molecular consequence: splice donor variant.
Genome position (GRCh38, 1-based): chrX:18,907,016, A duplicated on the plus strand (T on the coding strand, the reverse complement: PHKA2 is on the minus strand). VCF-style (leftmost placement, unchanged base first): chrX-18907015-T-TA. GRCh37 (hg19) VCF-style: chrX-18925133-T-TA.
Identifiers: ClinVar variation 976362 (VCV000976362.2), dbSNP rs2047830748, ClinGen allele CA1139667307.

ClinVar aggregate classification (germline): Conflicting classifications of pathogenicity. Review status: criteria provided, conflicting classifications (1 of 4 stars). 3 submissions from 3 submitters: Likely pathogenic (1); Uncertain significance (2). Last evaluated 2026-05-20.

Conditions:
Glycogen storage disease IXa1. Also called: GLYCOGEN STORAGE DISEASE VIII; GSD VIII; Glycogen storage disease 8; LIVER GLYCOGENOSIS, X-LINKED, TYPE I. Identifiers: Orphanet 264580, MedGen C3694531, MONDO:0010598, OMIM 306000.

Submissions (3):

Laboratorio de Biologia Molecular - Genetica, Hospital de Pediatria Garrahan
Classification: Uncertain significance for Glycogen storage disease IXa1. Last evaluated: 2026-05-20. Review status: criteria provided, single submitter. Criteria: ACMG Guidelines, 2015. Collection method: clinical testing. Allele origin: germline. Affected: yes. Observed: 1 variant allele.
Comment: This variant affects a nucleotide within the consensus splice site. This variant is not present in population databases (gnomAD no frequency). This variant has not been reported in the literature in individuals affected with PHKA2-related conditions. Algorithms developed to predict the effect of sequence changes on RNA splicing suggest that this variant is likely to affect RNA splicing (Splice AI score: 0.9). ClinVar contains an entry for this variant (Variation ID: 976362). In summary, the available evidence is currently insufficient to determine the role of this variant in disease. Therefore, it has been classified as a Variant of Uncertain Significance

Institute of Human Genetics, University of Leipzig Medical Center
Classification: Uncertain significance for Glycogen storage disease IXa1. Last evaluated: 2018-07-03. Review status: criteria provided, single submitter. Criteria: ACMG Guidelines, 2015. Collection method: clinical testing. Allele origin: germline. Affected: yes. Observed: 1 variant allele.
Comment: This variant was identified as hemizygous

Neuberg Centre For Genomic Medicine, NCGM
Classification: Likely pathogenic for Glycogen storage disease IXa1. Review status: criteria provided, single submitter. Criteria: ACMG Guidelines, 2015. Collection method: clinical testing. Allele origin: germline. Inheritance: X-linked recessive inheritance. Affected: yes.